The following is an entry in ClinVar:

ClinVar aggregate classification (germline): Pathogenic (1 of 4 stars; one submission).

Conditions:
Gorlin syndrome. Also called: Nevoid Basal Cell Carcinoma Syndrome; Basal cell nevus syndrome. Identifiers: Orphanet 377, MedGen C0004779, MONDO:0007187.

Submission:

Labcorp Genetics (formerly Invitae), Labcorp
Classification: Pathogenic for Gorlin syndrome. Last evaluated: 2025-05-22. Review status: criteria provided, single submitter. Criteria: Invitae Variant Classification Sherloc (09022015). Collection method: clinical testing. Allele origin: germline.
Comment: This sequence change creates a premature translational stop signal (p.Gln184*) in the PTCH1 gene. It is expected to result in an absent or disrupted protein product. Loss-of-function variants in PTCH1 are known to be pathogenic (PMID: 16301862, 16419085). This variant is not present in population databases (gnomAD no frequency). This premature translational stop signal has been observed in individual(s) with Gorlin syndrome (PMID: 19618880). For these reasons, this variant has been classified as Pathogenic.

Literature cited by the submitters: PubMed 16301862; PubMed 16419085; PubMed 19618880.

NM_000264.5(PTCH1):c.550C>T (p.Gln184Ter)

Gene: PTCH1 (patched 1; minus strand). Cytogenetic location: 9q22.32.
Variant type: single nucleotide variant.
Coding change: c.550C>T on transcript NM_000264.5 (MANE Select); coding-DNA position 550, C replaced by T.
Protein change: p.Gln184Ter; replaces glutamine 184 with a stop codon.
Molecular consequence: nonsense. On other transcripts: non-coding transcript variant (1).
Genome position (GRCh38, 1-based): chr9:95,485,719, G>A on the plus strand (C>T on the coding strand, the complement: PTCH1 is on the minus strand). VCF-style: chr9-95485719-G-A. GRCh37 (hg19) VCF-style: chr9-98248001-G-A.
Other names: c.352C>T, p.Gln118Ter (NM_001083602.3, NM_001354919.2); c.547C>T, p.Gln183Ter (NM_001083603.3); c.97C>T, p.Gln33Ter (NM_001083604.3, NM_001083605.3, NM_001083606.3 and 1 more transcripts); c.550C>T, p.Gln184Ter (NM_001354918.2); short protein forms Q118*, Q184*, Q183*, Q33*.
Identifiers: ClinVar variation 4709681 (VCV004709681.1).